The following is an entry in ClinVar:

NM_002335.4(LRP5):c.3277A>G (p.Ile1093Val)

Gene: LRP5 (LDL receptor related protein 5; plus strand). Cytogenetic location: 11q13.2.
Variant type: single nucleotide variant.
Coding change: c.3277A>G on transcript NM_002335.4 (MANE Select); coding-DNA position 3277, A replaced by G.
Protein change: p.Ile1093Val; replaces isoleucine 1093 with valine.
Molecular consequence: missense variant.
Genome position (GRCh38, 1-based): chr11:68,425,142, A>G. VCF-style: chr11-68425142-A-G. GRCh37 (hg19) VCF-style: chr11-68192610-A-G.
Other names: c.1534A>G, p.Ile512Val (NM_001291902.2); short protein forms I1093V, I512V.
Identifiers: ClinVar variation 3634239 (VCV003634239.2).

ClinVar aggregate classification (germline): Uncertain significance (1 of 4 stars; one submission).

gnomAD v4.1: 1 of 1,613,642 alleles (0.000062%); highest among the groups gnomAD compares: Non-Finnish European, 0.000085%; no homozygotes.

Submission:

Labcorp Genetics (formerly Invitae), Labcorp
Classification: Uncertain significance. Last evaluated: 2025-11-19. Review status: criteria provided, single submitter. Criteria: Invitae Variant Classification Sherloc (09022015). Collection method: clinical testing. Allele origin: germline.
Comment: This sequence change replaces isoleucine, which is neutral and non-polar, with valine, which is neutral and non-polar, at codon 1093 of the LRP5 protein (p.Ile1093Val). This variant is not present in population databases (gnomAD no frequency). This variant has not been reported in the literature in individuals affected with LRP5-related conditions. ClinVar contains an entry for this variant (Variation ID: 3634239). Invitae Evidence Modeling of protein sequence and biophysical properties (such as structural, functional, and spatial information, amino acid conservation, physicochemical variation, residue mobility, and thermodynamic stability) has been performed for this missense variant. However, the output from this modeling did not meet the statistical confidence thresholds required to predict the impact of this variant on LRP5 protein function. In summary, the available evidence is currently insufficient to determine the role of this variant in disease. Therefore, it has been classified as a Variant of Uncertain Significance.